The following is an entry in ClinVar:

ClinVar aggregate classification (germline): Uncertain significance (1 of 4 stars; one submission).

Conditions:
COG5-congenital disorder of glycosylation. Also called: CDG IIi; COG5-CDG; CONGENITAL DISORDER OF GLYCOSYLATION, TYPE IIi. Identifiers: Orphanet 263487, MedGen C3150876, MONDO:0013325, OMIM 613612.

Allele frequency attached by ClinVar (database versions not stated): ExAC 0.00001; gnomAD exomes 0.00001 and 0.00005; gnomAD 0.00002; TOPMed 0.00002; ESP Exome Variant Server 0.00008.
gnomAD v4.1: 79 of 1,613,990 alleles (0.0049%); highest among the groups gnomAD compares: Non-Finnish European, 0.0065%; no homozygotes.

Submission:

Labcorp Genetics (formerly Invitae), Labcorp
Classification: Uncertain significance for COG5-congenital disorder of glycosylation. Last evaluated: 2022-05-08. Review status: criteria provided, single submitter. Criteria: Invitae Variant Classification Sherloc (09022015). Collection method: clinical testing. Allele origin: germline.
Comment: This sequence change replaces proline, which is neutral and non-polar, with serine, which is neutral and polar, at codon 788 of the COG5 protein (p.Pro788Ser). This variant is present in population databases (rs148259908, gnomAD 0.002%). This variant has not been reported in the literature in individuals affected with COG5-related conditions. Algorithms developed to predict the effect of missense changes on protein structure and function are either unavailable or do not agree on the potential impact of this missense change (SIFT: "Tolerated"; PolyPhen-2: "Probably Damaging"; Align-GVGD: "Class C0"). In summary, the available evidence is currently insufficient to determine the role of this variant in disease. Therefore, it has been classified as a Variant of Uncertain Significance.

NM_006348.5(COG5):c.2269C>T (p.Pro757Ser)

Gene: COG5 (component of oligomeric golgi complex 5; minus strand). Cytogenetic location: 7q22.3.
Variant type: single nucleotide variant.
Coding change: c.2269C>T on transcript NM_006348.5 (MANE Select); coding-DNA position 2269, C replaced by T.
Protein change: p.Pro757Ser; replaces proline 757 with serine.
Molecular consequence: missense variant. On other transcripts: intron variant (1).
Genome position (GRCh38, 1-based): chr7:107,211,125, G>A on the plus strand (C>T on the coding strand, the complement: COG5 is on the minus strand). VCF-style: chr7-107211125-G-A. GRCh37 (hg19) VCF-style: chr7-106851570-G-A.
Other names: c.2269C>T, p.Pro757Ser (NM_001161520.2); c.2107C>T, p.Pro703Ser (NM_001379511.1); c.2095C>T, p.Pro699Ser (NM_001379512.1); c.1954C>T, p.Pro652Ser (NM_001379514.1); c.1699C>T, p.Pro567Ser (NM_001379515.1); c.1555C>T, p.Pro519Ser (NM_001379516.1); c.2206C>T, p.Pro736Ser (NM_181733.4); c.2169-7495C>T (NM_001379513.1); short protein forms P567S, P757S, P519S, P652S, P699S, P703S, P736S.
Identifiers: ClinVar variation 1440367 (VCV001440367.5), dbSNP rs148259908, ClinGen allele CA4430640.